The following is an entry in ClinVar:

NM_007194.4(CHEK2):c.363T>A (p.Cys121Ter)

Gene: CHEK2 (checkpoint kinase 2; minus strand). Cytogenetic location: 22q12.1.
Variant type: single nucleotide variant.
Coding change: c.363T>A on transcript NM_007194.4 (MANE Select); coding-DNA position 363, T replaced by A.
Protein change: p.Cys121Ter; replaces cysteine 121 with a stop codon.
Molecular consequence: nonsense.
Genome position (GRCh38, 1-based): chr22:28,725,324, A>T on the plus strand (T>A on the coding strand, the complement: CHEK2 is on the minus strand). VCF-style: chr22-28725324-A-T. GRCh37 (hg19) VCF-style: chr22-29121312-A-T.
Other names: c.492T>A, p.Cys164Ter (NM_001005735.3); c.-415T>A (NM_001257387.3); c.363T>A, p.Cys121Ter (NM_001349956.3, NM_145862.3); short protein forms C164*, C121*.
Identifiers: ClinVar variation 1353375 (VCV001353375.7), dbSNP rs1209379774, ClinGen allele CA411108144.
Genomic context (GRCh38, chr22:28,725,324, plus strand): 5'-CTTGCTGTATGTTCGGTATTTATCTGTTCTTTTCAGCAGTGGTTCATCAAAGCAATATTC[A>T]CAGCTTTTGTCCCTCCCAAACCAGTAGTTGTCATTCACACATTCTGTAATATAAAAGCAT-3'

ClinVar aggregate classification (germline): Pathogenic (1 of 4 stars; one submission).

Conditions:
Familial cancer of breast. Also called: hereditary breast carcinoma; Hereditary breast cancer; BREAST CANCER, FAMILIAL. Identifiers: Orphanet 227535, MedGen C0346153, MONDO:0016419, OMIM 114480. Disease mechanism: loss of function.

Submission:

Labcorp Genetics (formerly Invitae), Labcorp
Classification: Pathogenic for Familial cancer of breast. Last evaluated: 2021-01-07. Review status: criteria provided, single submitter. Criteria: Invitae Variant Classification Sherloc (09022015). Collection method: clinical testing. Allele origin: germline.
Comment: This variant is not present in population databases (ExAC no frequency). This sequence change creates a premature translational stop signal (p.Cys121*) in the CHEK2 gene. It is expected to result in an absent or disrupted protein product. Loss-of-function variants in CHEK2 are known to be pathogenic (PMID: 21876083, 24713400). This variant has not been reported in the literature in individuals with CHEK2-related conditions. For these reasons, this variant has been classified as Pathogenic.

Literature cited by the submitters: PubMed 21876083; PubMed 24713400.